The following is an entry in ClinVar:

ClinVar aggregate classification (germline): Uncertain significance (1 of 4 stars; one submission).

Allele frequency attached by ClinVar (database versions not stated): gnomAD exomes below 0.00001.
gnomAD v4.1: 1 of 1,614,140 alleles (0.000062%); highest among the groups gnomAD compares: Non-Finnish European, 0.000085%; no homozygotes.

Submission:

Labcorp Genetics (formerly Invitae), Labcorp
Classification: Uncertain significance. Last evaluated: 2024-10-22. Review status: criteria provided, single submitter. Criteria: Invitae Variant Classification Sherloc (09022015). Collection method: clinical testing. Allele origin: germline.
Comment: This sequence change replaces aspartic acid, which is acidic and polar, with glutamic acid, which is acidic and polar, at codon 440 of the CSGALNACT1 protein (p.Asp440Glu). This variant is not present in population databases (gnomAD no frequency). This variant has not been reported in the literature in individuals affected with CSGALNACT1-related conditions. Invitae Evidence Modeling of protein sequence and biophysical properties (such as structural, functional, and spatial information, amino acid conservation, physicochemical variation, residue mobility, and thermodynamic stability) indicates that this missense variant is not expected to disrupt CSGALNACT1 protein function with a negative predictive value of 80%. In summary, the available evidence is currently insufficient to determine the role of this variant in disease. Therefore, it has been classified as a Variant of Uncertain Significance.

NM_001354483.2(CSGALNACT1):c.1320T>G (p.Asp440Glu)

Gene: CSGALNACT1 (chondroitin sulfate N-acetylgalactosaminyltransferase 1; minus strand). Cytogenetic location: 8p21.3.
Variant type: single nucleotide variant.
Coding change: c.1320T>G on transcript NM_001354483.2 (MANE Select); coding-DNA position 1320, T replaced by G.
Protein change: p.Asp440Glu; replaces aspartic acid 440 with glutamic acid.
Molecular consequence: missense variant. On other transcripts: non-coding transcript variant (7).
Genome position (GRCh38, 1-based): chr8:19,406,059, A>C on the plus strand (T>G on the coding strand, the complement: CSGALNACT1 is on the minus strand). VCF-style: chr8-19406059-A-C. GRCh37 (hg19) VCF-style: chr8-19263570-A-C.
Other names: c.1320T>G, p.Asp440Glu (NM_001130518.2, NM_001354475.2, NM_001354476.2 and 18 more transcripts); short protein forms D440E.
Identifiers: ClinVar variation 2812837 (VCV002812837.3), dbSNP rs2537348264, ClinGen allele CA370459073.
Genomic context (GRCh38, chr8:19,406,059, plus strand): 5'-GCTGTGGAGATACTTGCGATAAAGGTGCACATCCTCTCCGCCCCAGCCTTTGATGTCCAG[A>C]TCAAACCCACCTGTCGGGACAGAACACACTGTTGAATCACACTGCACTGATCTGTTTTGC-3'
Protein context (NP_001341412.1, residues 430-450): RSDFINIGGF[Asp440Glu]LDIKGWGGED